The following is an entry in ClinVar:

ClinVar aggregate classification (germline): Uncertain significance. Review status: criteria provided, multiple submitters, no conflicts (2 of 4 stars). 2 submissions from 2 submitters: Uncertain significance (2). Last evaluated 2018-08-01.

Conditions:
Hereditary cancer-predisposing syndrome. Also called: Hereditary neoplastic syndrome; Hereditary Cancer Syndrome; Neoplastic Syndromes, Hereditary; Tumor predisposition. Identifiers: Orphanet 140162, MedGen C0027672, MeSH D009386, MONDO:0015356.

Submissions (2):

GeneKor MSA
Classification: Uncertain significance for Hereditary cancer-predisposing syndrome. Last evaluated: 2018-08-01. Review status: criteria provided, single submitter. Criteria: ACMG Guidelines, 2015. Collection method: clinical testing. Allele origin: germline. Affected: yes.

Ambry Genetics
Classification: Uncertain significance for Hereditary cancer-predisposing syndrome. Last evaluated: 2015-01-20. Review status: criteria provided, single submitter. Criteria: Ambry Variant Classification Scheme 2023. Collection method: clinical testing. Allele origin: germline.
Comment: The p.V12L variant (also known as c.34G>C), located in coding exon 1 of the RAD50 gene, results from a G to C substitution at nucleotide position 34. The valine at codon 12 is replaced by leucine, an amino acid with highly similar properties. This variant was not reported in population based cohorts in the following databases: Database of Single Nucleotide Polymorphisms (dbSNP), NHLBI Exome Sequencing Project (ESP), and 1000 Genomes Project. In the ESP, this variant was not observed in 6503 samples (13006 alleles) with coverage at this position. To date, this alteration has been detected with an allele frequency of approximately 0.003% (greater than 40000 alleles tested) in our clinical cohort. This amino acid position is highly conserved in available vertebrate species. In addition, the in silico prediction for this alteration is inconclusive. Since supporting evidence is limited at this time, the clinical significance of p.V12L remains unclear.

NM_005732.4(RAD50):c.34G>C (p.Val12Leu)

Gene: RAD50 (RAD50 double strand break repair protein; plus strand). Cytogenetic location: 5q31.1.
Variant type: single nucleotide variant.
Coding change: c.34G>C on transcript NM_005732.4 (MANE Select); coding-DNA position 34, G replaced by C.
Protein change: p.Val12Leu; replaces valine 12 with leucine.
Molecular consequence: missense variant.
Genome position (GRCh38, 1-based): chr5:132,557,358, G>C. VCF-style: chr5-132557358-G-C. GRCh37 (hg19) VCF-style: chr5-131893050-G-C.
Other names: short protein forms V12L.
Identifiers: ClinVar variation 230183 (VCV000230183.5), dbSNP rs755022536, ClinGen allele CA10578469.